The following is an entry in ClinVar:

NM_002474.3(MYH11):c.5327A>T (p.Glu1776Val)

Genes: MYH11 (myosin heavy chain 11; minus strand), NDE1 (nudE neurodevelopment protein 1; plus strand). Cytogenetic location: 16p13.11.
Variant type: single nucleotide variant.
Coding change: c.5327A>T on transcript NM_002474.3 (MANE Select); coding-DNA position 5327, A replaced by T.
Protein change: p.Glu1776Val; replaces glutamic acid 1776 with valine.
Molecular consequence: missense variant. On other transcripts: intron variant (2).
Genome position (GRCh38, 1-based): chr16:15,717,317, T>A on the plus strand (A>T on the coding strand, the complement: MYH11 is on the minus strand). VCF-style: chr16-15717317-T-A. GRCh37 (hg19) VCF-style: chr16-15811174-T-A.
Other names: c.5348A>T, p.Glu1783Val (NM_001040113.2, NM_001040114.2); c.5327A>T, p.Glu1776Val (NM_022844.3); c.948-6874T>A (NM_001143979.2, NM_017668.3); c.5327A>T (NM_002474.2); short protein forms E1776V, E1783V.
Identifiers: ClinVar variation 3072481 (VCV003072481.2), dbSNP rs2506084317, ClinGen allele CA394849266.

ClinVar aggregate classification (germline): Uncertain significance. Review status: criteria provided, multiple submitters, no conflicts (2 of 4 stars). 2 submissions from 2 submitters: Uncertain significance (2). Last evaluated 2026-07-09.

Conditions:
Familial thoracic aortic aneurysm and aortic dissection (TAAD). Also called: Thoracic aortic aneurysms and dissections. Identifiers: Orphanet 91387, MedGen C4707243, MONDO:0019625.

gnomAD v4.1: 1 of 1,611,108 alleles (0.000062%); highest among the groups gnomAD compares: Non-Finnish European, 0.000085%; no homozygotes.

Submissions (2):

Ambry Genetics
Classification: Uncertain significance for Familial thoracic aortic aneurysm and aortic dissection. Last evaluated: 2026-07-09. Review status: criteria provided, single submitter. Criteria: Ambry Variant Classification Scheme 2023. Collection method: clinical testing. Allele origin: germline.
Comment: The p.E1776V variant (also known as c.5327A>T), located in coding exon 37 of the MYH11 gene, results from an A to T substitution at nucleotide position 5327. The glutamic acid at codon 1776 is replaced by valine, an amino acid with dissimilar properties. This amino acid position is conserved. In addition, this alteration is predicted to be deleterious by in silico analysis. Based on the available evidence, the clinical significance of this variant remains unclear.

All of Us Research Program, National Institutes of Health
Classification: Uncertain significance for Familial thoracic aortic aneurysm and aortic dissection. Last evaluated: 2023-07-19. Review status: criteria provided, single submitter. Criteria: ACMG Guidelines, 2015. Collection method: clinical testing. Allele origin: germline. Inheritance: Autosomal dominant inheritance. Observed: 1 variant allele, 1 heterozygote.
Comment: This missense variant replaces glutamic acid with valine at codon 1783 of the MYH11 protein. Computational prediction suggests that this variant may have deleterious impact on protein structure and function (internally defined REVEL score threshold >= 0.7, PMID: 27666373). To our knowledge, functional studies have not been reported for this variant. This variant has not been reported in individuals affected with MYH11-related disorders in the literature. This variant has not been identified in the general population by the Genome Aggregation Database (gnomAD). The available evidence is insufficient to determine the role of this variant in disease conclusively. Therefore, this variant is classified as a Variant of Uncertain Significance.

This study involves interpretation of variants in research participants for the purpose of population health screening. Participant phenotype was not available at the time of variant classification. Additional details can be found in publication PMID: 35346344, PMCID: PMC8962531